The following is an entry in ClinVar:

ClinVar aggregate classification (germline): Uncertain significance (1 of 4 stars; one submission).

Conditions:
Familial focal epilepsy with variable foci (FPEVF). Identifiers: Orphanet 98820, MedGen C1858477, MONDO:0020310.

Submission:

Labcorp Genetics (formerly Invitae), Labcorp
Classification: Uncertain significance for Familial focal epilepsy with variable foci. Last evaluated: 2018-03-15. Review status: criteria provided, single submitter. Criteria: Invitae Variant Classification Sherloc (09022015). Collection method: clinical testing. Allele origin: germline.
Comment: This variant has not been reported in the literature in individuals with DEPDC5-related disease. This variant is not present in population databases (ExAC no frequency). This sequence change results in a premature translational stop signal in the DEPDC5 gene (p.Asp1565Leufs*). While this is not anticipated to result in nonsense mediated decay, it is expected to disrupt the last 39 amino acids of the DEPDC5 protein. In summary, the available evidence is currently insufficient to determine the role of this variant in disease. Therefore, it has been classified as a Variant of Uncertain Significance. Experimental studies and prediction algorithms are not available for this variant, and the functional significance of the disrupted amino acids is currently unknown.

NM_001242896.3(DEPDC5):c.4692_4693delinsTTT (p.Asp1565fs)

Gene: DEPDC5 (DEP domain containing 5, GATOR1 subcomplex subunit; plus strand). Cytogenetic location: 22q12.3.
Variant type: Indel.
Coding change: c.4692_4693delinsTTT on transcript NM_001242896.3 (MANE Select); coding-DNA positions 4692 to 4693, GG replaced by TTT.
Protein change: p.Asp1565fs; shifts the reading frame from aspartic acid 1565.
Molecular consequence: frameshift variant. On other transcripts: non-coding transcript variant (5).
Genome position (GRCh38, 1-based): chr22:31,906,377-31,906,378, GG replaced by TTT. VCF-style: chr22-31906377-GG-TTT. GRCh37 (hg19) VCF-style: chr22-32302363-GG-TTT.
Other names: c.4665_4666delinsTTT, p.Asp1556fs (NM_001136029.4); c.4392_4393delinsTTT, p.Asp1465fs (NM_001242897.2); c.4626_4627delinsTTT, p.Asp1543fs (NM_001363852.2, NM_001364320.2); c.4458_4459delinsTTT, p.Asp1487fs (NM_001363854.2, NM_001364319.2); c.4692_4693delinsTTT, p.Asp1565fs (NM_001364318.2); c.4608_4609delinsTTT, p.Asp1537fs (NM_001369901.1, NM_001369902.1); c.4599_4600delinsTTT, p.Asp1534fs (NM_001369903.1, NM_014662.6); short protein forms D1565fs, D1534fs, D1556fs, D1537fs, D1543fs, D1465fs, D1487fs.
Identifiers: ClinVar variation 576543 (VCV000576543.6), dbSNP rs1569255986, ClinGen allele CA891844544.